The following is an entry in ClinVar:

NM_020884.7(MYH7B):c.728A>T (p.Asn243Ile)

Gene: MYH7B (myosin heavy chain 7B; plus strand). Cytogenetic location: 20q11.22.
Variant type: single nucleotide variant.
Coding change: c.728A>T on transcript NM_020884.7 (MANE Select); coding-DNA position 728, A replaced by T.
Protein change: p.Asn243Ile; replaces asparagine 243 with isoleucine.
Molecular consequence: missense variant.
Genome position (GRCh38, 1-based): chr20:34,984,933, A>T. VCF-style: chr20-34984933-A-T. GRCh37 (hg19) VCF-style: chr20-33572736-A-T.
Other names: short protein forms N243I.
Identifiers: ClinVar variation 3632600 (VCV003632600.2).

ClinVar aggregate classification (germline): Uncertain significance (1 of 4 stars; one submission).

gnomAD v4.1: 22 of 1,613,460 alleles (0.0014%); highest among the groups gnomAD compares: African/African-American, 0.028%; no homozygotes.

Submission:

Labcorp Genetics (formerly Invitae), Labcorp
Classification: Uncertain significance. Last evaluated: 2025-06-12. Review status: criteria provided, single submitter. Criteria: Invitae Variant Classification Sherloc (09022015). Collection method: clinical testing. Allele origin: germline.
Comment: This sequence change replaces asparagine, which is neutral and polar, with isoleucine, which is neutral and non-polar, at codon 285 of the MYH7B protein (p.Asn285Ile). The frequency data for this variant in the population databases is considered unreliable, as metrics indicate poor data quality at this position in the gnomAD database. This variant has not been reported in the literature in individuals affected with MYH7B-related conditions. ClinVar contains an entry for this variant (Variation ID: 3632600). Invitae Evidence Modeling of protein sequence and biophysical properties (such as structural, functional, and spatial information, amino acid conservation, physicochemical variation, residue mobility, and thermodynamic stability) indicates that this missense variant is expected to disrupt MYH7B protein function with a positive predictive value of 80%. In summary, the available evidence is currently insufficient to determine the role of this variant in disease. Therefore, it has been classified as a Variant of Uncertain Significance.